The following is an entry in ClinVar:

ClinVar aggregate classification (germline): Uncertain significance (1 of 4 stars; one submission).

Conditions:
LRRC45-related disorder. Also called: LRRC45-related condition.

Submission:

PreventionGenetics, part of Exact Sciences
Classification: Uncertain significance for LRRC45-related condition. Last evaluated: 2026-07-02. Review status: criteria provided, single submitter. Criteria: ACMG Guidelines, 2015. Collection method: clinical testing. Allele origin: germline.
Comment: The LRRC45 c.1659G>T variant is predicted to result in the amino acid substitution p.Glu553Asp. To our knowledge, this variant has not been reported in the literature or in a large population database (gnomAD), indicating this variant is rare. At this time, the clinical significance of this variant is uncertain due to the absence of conclusive functional and genetic evidence.

NM_144999.4(LRRC45):c.1659G>T (p.Glu553Asp)

Gene: LRRC45 (leucine rich repeat containing 45; plus strand). Cytogenetic location: 17q25.3.
Variant type: single nucleotide variant.
Coding change: c.1659G>T on transcript NM_144999.4 (MANE Select); coding-DNA position 1659, G replaced by T.
Protein change: p.Glu553Asp; replaces glutamic acid 553 with aspartic acid.
Molecular consequence: missense variant.
Genome position (GRCh38, 1-based): chr17:82,030,229, G>T. VCF-style: chr17-82030229-G-T. GRCh37 (hg19) VCF-style: chr17-79988105-G-T.
Other names: short protein forms E553D.
Identifiers: ClinVar variation 4993384 (VCV004993384.1).